The following is an entry in ClinVar:

NM_000212.3(ITGB3):c.950C>T (p.Ser317Phe)

Gene: ITGB3 (integrin subunit beta 3; plus strand). Cytogenetic location: 17q21.32.
Variant type: single nucleotide variant.
Coding change: c.950C>T on transcript NM_000212.3 (MANE Select); coding-DNA position 950, C replaced by T.
Protein change: p.Ser317Phe; replaces serine 317 with phenylalanine.
Molecular consequence: missense variant.
Genome position (GRCh38, 1-based): chr17:47,289,691, C>T. VCF-style: chr17-47289691-C-T. GRCh37 (hg19) VCF-style: chr17-45367057-C-T.
Other names: short protein forms S317F.
Identifiers: ClinVar variation 4883449 (VCV004883449.2).

ClinVar aggregate classification (germline): Uncertain significance (1 of 4 stars; one submission).

gnomAD v4.1: 8 of 1,612,292 alleles (0.0005%); highest among the groups gnomAD compares: African/African-American, 0.0013%; no homozygotes.

Submission:

Dasa
Classification: Uncertain significance. Last evaluated: 2025-11-04. Review status: criteria provided, single submitter. Criteria: DASA Assertion Criteria. Collection method: clinical testing. Allele origin: germline.
Comment: NM_000212.3(ITGB3):c.950C>T (p.Ser317Phe) is a missense variant that results in the substitution of serine with phenylalanine. This variant is rare in population databases. Computational prediction algorithms are consistent with a deleterious effect. The currently available literature and clinical evidence are not sufficient to establish a definitive association between this variant and the reported condition. Therefore, this variant is classified as a variant of uncertain significance.